The following is an entry in ClinVar:

NM_025132.4(WDR19):c.2481dup (p.Arg828fs)

Gene: WDR19 (WD repeat domain 19; plus strand). Cytogenetic location: 4p14.
Variant type: Duplication.
Coding change: c.2481dup on transcript NM_025132.4 (MANE Select); coding-DNA position 2481, one base duplicated (A; older notation c.2481dupA).
Protein change: p.Arg828fs; shifts the reading frame from arginine 828.
Molecular consequence: frameshift variant.
Genome position (GRCh38, 1-based): chr4:39,244,307, A duplicated. VCF-style (leftmost placement, unchanged base first): chr4-39244306-T-TA. GRCh37 (hg19) VCF-style: chr4-39245926-T-TA.
Other names: c.2001dup, p.Arg668fs (NM_001317924.2); short protein forms R668fs, R828fs.
Identifiers: ClinVar variation 1401950 (VCV001401950.6), dbSNP rs2109405851, ClinGen allele CA2573137746.

ClinVar aggregate classification (germline): Pathogenic (1 of 4 stars; one submission).

Conditions:
Asphyxiating thoracic dystrophy 5 (SRTD5). Also called: SHORT-RIB THORACIC DYSPLASIA 5 WITH OR WITHOUT POLYDACTYLY; SHORT-RIB THORACIC DYSPLASIA 5 WITHOUT POLYDACTYLY. Identifiers: Orphanet 474, MedGen C3280598, MONDO:0013717, OMIM 614376.
Senior-Loken syndrome 8 (SLSN8). Identifiers: Orphanet 3156, MedGen C4225376, MONDO:0014579, OMIM 616307.

Submission:

Labcorp Genetics (formerly Invitae), Labcorp
Classification: Pathogenic for Senior-Loken syndrome 8; Asphyxiating thoracic dystrophy 5. Last evaluated: 2020-12-21. Review status: criteria provided, single submitter. Criteria: Invitae Variant Classification Sherloc (09022015). Collection method: clinical testing. Allele origin: germline.
Comment: For these reasons, this variant has been classified as Pathogenic. This variant is not present in population databases (ExAC no frequency). This sequence change creates a premature translational stop signal (p.Arg828Thrfs*5) in the WDR19 gene. It is expected to result in an absent or disrupted protein product. Loss-of-function variants in WDR19 are known to be pathogenic (PMID: 22019273, 23559409, 23683095, 26275793, 27241786, 29068549). This variant has not been reported in the literature in individuals with WDR19-related conditions.

Literature cited by the submitters: PubMed 22019273; PubMed 23559409; PubMed 23683095; PubMed 26275793; PubMed 27241786; PubMed 29068549.